The following is an entry in ClinVar:

ClinVar aggregate classification (germline): Uncertain significance (1 of 4 stars; one submission).

Conditions:
Emery-Dreifuss muscular dystrophy 5, autosomal dominant (EDMD5). Also called: EMERY-DREIFUSS MUSCULAR DYSTROPHY 5. Identifiers: Orphanet 261, MedGen C2751805, MONDO:0013072, OMIM 612999.

Allele frequency attached by ClinVar (database versions not stated): TOPMed below 0.00001.

Submission:

Labcorp Genetics (formerly Invitae), Labcorp
Classification: Uncertain significance for Emery-Dreifuss muscular dystrophy 5, autosomal dominant. Last evaluated: 2024-04-25. Review status: criteria provided, single submitter. Criteria: Invitae Variant Classification Sherloc (09022015). Collection method: clinical testing. Allele origin: germline.
Comment: This sequence change replaces lysine, which is basic and polar, with arginine, which is basic and polar, at codon 2162 of the SYNE2 protein (p.Lys2162Arg). This variant is not present in population databases (gnomAD no frequency). This variant has not been reported in the literature in individuals affected with SYNE2-related conditions. ClinVar contains an entry for this variant (Variation ID: 1383775). Algorithms developed to predict the effect of missense changes on protein structure and function output the following: SIFT: "Not Available"; PolyPhen-2: "Benign"; Align-GVGD: "Not Available". The arginine amino acid residue is found in multiple mammalian species, which suggests that this missense change does not adversely affect protein function. In summary, the available evidence is currently insufficient to determine the role of this variant in disease. Therefore, it has been classified as a Variant of Uncertain Significance.

NM_182914.3(SYNE2):c.6485A>G (p.Lys2162Arg)

Gene: SYNE2 (spectrin repeat containing nuclear envelope protein 2; plus strand). Cytogenetic location: 14q23.2.
Variant type: single nucleotide variant.
Coding change: c.6485A>G on transcript NM_182914.3 (MANE Select); coding-DNA position 6485, A replaced by G.
Protein change: p.Lys2162Arg; replaces lysine 2162 with arginine.
Molecular consequence: missense variant.
Genome position (GRCh38, 1-based): chr14:64,027,564, A>G. VCF-style: chr14-64027564-A-G. GRCh37 (hg19) VCF-style: chr14-64494282-A-G.
Other names: c.6485A>G, p.Lys2162Arg (NM_015180.6); short protein forms K2162R.
Identifiers: ClinVar variation 1383775 (VCV001383775.6), dbSNP rs2096990635, ClinGen allele CA389948895.